The following is an entry in ClinVar:

NM_000089.4(COL1A2):c.3736A>T (p.Thr1246Ser)

Gene: COL1A2 (collagen type I alpha 2 chain; plus strand). Cytogenetic location: 7q21.3.
Variant type: single nucleotide variant.
Coding change: c.3736A>T on transcript NM_000089.4 (MANE Select); coding-DNA position 3736, A replaced by T.
Protein change: p.Thr1246Ser; replaces threonine 1246 with serine.
Molecular consequence: missense variant.
Genome position (GRCh38, 1-based): chr7:94,429,212, A>T. VCF-style: chr7-94429212-A-T. GRCh37 (hg19) VCF-style: chr7-94058524-A-T.
Other names: short protein forms T1246S.
Identifiers: ClinVar variation 4787862 (VCV004787862.1).

ClinVar aggregate classification (germline): Uncertain significance (1 of 4 stars; one submission).

Conditions:
Ehlers-Danlos syndrome, classic type, 1 (EDSCL1). Also called: EHLERS-DANLOS SYNDROME, GRAVIS TYPE; EHLERS-DANLOS SYNDROME, SEVERE CLASSIC TYPE; Ehlers-Danlos syndrome, type 1; Ehlers-Danlos Syndrome, Classic Type, COL5A1-Related; EDS I. Identifiers: MedGen C0268335, MONDO:0019567, OMIM 130000.
Osteogenesis imperfecta type I (OI1). Also called: OI, TYPE I; OSTEOGENESIS IMPERFECTA TARDA; OSTEOGENESIS IMPERFECTA WITH BLUE SCLERAE; Osteogenesis imperfecta type 1; Lobstein's Disease; Lobstein disease. Identifiers: Orphanet 216796, Orphanet 666, MedGen C0023931, MONDO:0008146, OMIM 166200. Disease mechanism: loss of function.

gnomAD v4.1: 3 of 1,612,238 alleles (0.00019%); highest among the groups gnomAD compares: Admixed American, 0.005%; no homozygotes.

Submission:

Labcorp Genetics (formerly Invitae), Labcorp
Classification: Uncertain significance for Osteogenesis imperfecta type I; Ehlers-Danlos syndrome, classic type, 1. Last evaluated: 2025-12-20. Review status: criteria provided, single submitter. Criteria: Invitae Variant Classification Sherloc (09022015). Collection method: clinical testing. Allele origin: germline.
Comment: This sequence change replaces threonine, which is neutral and polar, with serine, which is neutral and polar, at codon 1246 of the COL1A2 protein (p.Thr1246Ser). This variant is present in population databases (rs760095261, gnomAD 0.006%). This variant has not been reported in the literature in individuals affected with COL1A2-related conditions. Invitae Evidence Modeling of protein sequence and biophysical properties (such as structural, functional, and spatial information, amino acid conservation, physicochemical variation, residue mobility, and thermodynamic stability) indicates that this missense variant is not expected to disrupt COL1A2 protein function with a negative predictive value of 80%. In summary, the available evidence is currently insufficient to determine the role of this variant in disease. Therefore, it has been classified as a Variant of Uncertain Significance.